The following is an entry in ClinVar:

ClinVar aggregate classification (germline): Uncertain significance (1 of 4 stars; one submission).

gnomAD v4.1: 1 of 1,583,286 alleles (0.000063%); highest among the groups gnomAD compares: Non-Finnish European, 0.000086%; no homozygotes.

Submission:

GeneDx
Classification: Uncertain significance. Last evaluated: 2025-01-06. Review status: criteria provided, single submitter. Criteria: GeneDx Variant Classification Process June 2021. Collection method: clinical testing. Allele origin: germline. Affected: yes.
Comment: Not observed at significant frequency in large population cohorts (gnomAD); In silico analysis supports that this missense variant has a deleterious effect on protein structure/function; Has not been previously published as pathogenic or benign to our knowledge

NM_003221.4(TFAP2B):c.469G>A (p.Gly157Ser)

Gene: TFAP2B (transcription factor AP-2 beta; plus strand). Cytogenetic location: 6p12.3.
Variant type: single nucleotide variant.
Coding change: c.469G>A on transcript NM_003221.4 (MANE Select); coding-DNA position 469, G replaced by A.
Protein change: p.Gly157Ser; replaces glycine 157 with serine.
Molecular consequence: missense variant.
Genome position (GRCh38, 1-based): chr6:50,823,794, G>A. VCF-style: chr6-50823794-G-A. GRCh37 (hg19) VCF-style: chr6-50791507-G-A.
Other names: short protein forms G157S.
Identifiers: ClinVar variation 4056923 (VCV004056923.1).